The following is an entry in ClinVar:

NC_012920.1(MT-ND6):m.14513_14514del

Gene: MT-ND6 (mitochondrially encoded NADH dehydrogenase 6; minus strand).
Variant type: Deletion.
Genome position: chrM-14511-CTA-C.
Identifiers: ClinVar variation 800503 (VCV000800503.3), dbSNP rs1603224770, ClinGen allele CA915952148.
Genomic context (GRCh38, chrMT:14,511, plus strand): 5'-TAGCCATCGCTGTAGTATATCCAAAGACAACCATCATTCCCCCTAAATAAATTAAAAAAA[CTA>C]TTAAACCCATATAACCTCCCCCAAAATTCAGAATAATAACACACCCGACCACACCGCTAA-3'

ClinVar aggregate classification (germline): Likely pathogenic. Review status: reviewed by expert panel (3 of 4 stars). 2 submissions from 2 submitters: Likely pathogenic (1). 1 of the submissions does not count toward it. Last evaluated 2023-12-21.

Conditions:
Mitochondrial disease. Also called: Mitochondrial disorder; Mitochondrial disorders. Identifiers: Orphanet 68380, MedGen C0751651, MeSH D028361, MONDO:0044970.

Submissions (2):

ClinGen Mitochondrial Disease Nuclear and Mitochondrial  Variant Curation Expert Panel, ClinGen
Classification: Likely pathogenic for Mitochondrial disease. Last evaluated: 2023-12-21. Review status: reviewed by expert panel. Criteria: McCormick et al. (Hum Mutat. 2020). Collection method: curation. Allele origin: germline. Inheritance: Mitochondrial inheritance.
Comment: Muscle biopsy showed that 13% of muscle fibers were ragged red fibers (RRF) and >75% of fibers showed a complete loss of NDUFB8 immunoreactivity associated with preserved COX-I immunoreactivity (PMID: 32158465). The variant was present at 76% heteroplasmy in skeletal muscle, 10% in urine, and was undetectable in blood and buccal samples. As this is the only case reported to date, PS4 could not be applied. Computational predictors are not applicable for this variant type precluding consideration for PP3 or BP4. This variant is absent in the GenBank dataset, Helix dataset, and gnomAD v3.1.2 (PM2_supporting). This variant results in a frame shift at position 54 and is predicted to result in loss of >10% protein (PVS1_strong). Single fiber testing showed that heteroplasmy levels in COX-positive ragged-red fibers was 90.9 ± 0.74% (n=21) and in COX-positive non-ragged-red fibers was 31.7 ± 9.6% (n=17; p < 0.0001; PS3_supporting; PMID: 32158465). In summary, this variant meets criteria to be classified as likely pathogenic for primary mitochondrial disease inherited in a mitochondrial manner. This classification was approved by the NICHD/NINDS U24 ClinGen Mitochondrial Disease Variant Curation Expert Panel on December 21, 2023. Mitochondrial DNA-specific ACMG/AMP criteria applied (PMID: 32906214): PM6_supporting, PM2_supporting, PS3_supporting, PVS1_strong.

Mitochondrial Research Group, Newcastle University
Classification: Pathogenic for Mitochondrial disease. Last evaluated: 2019-12-09. Review status: criteria provided, single submitter. Criteria: ACMG Guidelines, 2015. Collection method: clinical testing. Allele origin: germline. Affected: yes. Observed: 1 variant allele. Not counted in ClinVar's aggregate classification.

Literature cited by the submitters: PubMed 32158465 (cited by ClinGen Mitochondrial Disease Nuclear and Mitochondrial  Variant Curation Expert Panel, ClinGen).